The following is an entry in ClinVar:

ClinVar aggregate classification (germline): Uncertain significance (1 of 4 stars; one submission).

gnomAD v4.1: 2 of 1,610,524 alleles (0.00012%); highest among the groups gnomAD compares: South Asian, 0.0011%; no homozygotes.

Submission:

Labcorp Genetics (formerly Invitae), Labcorp
Classification: Uncertain significance. Last evaluated: 2024-05-27. Review status: criteria provided, single submitter. Criteria: Invitae Variant Classification Sherloc (09022015). Collection method: clinical testing. Allele origin: germline.
Comment: This sequence change replaces glycine, which is neutral and non-polar, with serine, which is neutral and polar, at codon 552 of the SLC12A6 protein (p.Gly552Ser). The frequency data for this variant in the population databases is considered unreliable, as metrics indicate poor data quality at this position in the gnomAD database. This variant has not been reported in the literature in individuals affected with SLC12A6-related conditions. Advanced modeling of protein sequence and biophysical properties (such as structural, functional, and spatial information, amino acid conservation, physicochemical variation, residue mobility, and thermodynamic stability) performed at Invitae indicates that this missense variant is expected to disrupt SLC12A6 protein function with a positive predictive value of 80%. This variant disrupts the p.Gly552 amino acid residue in SLC12A6. Other variant(s) that disrupt this residue have been determined to be pathogenic (PMID: 36542484). This suggests that this residue is clinically significant, and that variants that disrupt this residue are likely to be disease-causing. In summary, the available evidence is currently insufficient to determine the role of this variant in disease. Therefore, it has been classified as a Variant of Uncertain Significance.

Literature cited by the submitters: PubMed 36542484.

NM_001365088.1(SLC12A6):c.1654G>A (p.Gly552Ser)

Gene: SLC12A6 (solute carrier family 12 member 6; minus strand). Cytogenetic location: 15q14.
Variant type: single nucleotide variant.
Coding change: c.1654G>A on transcript NM_001365088.1 (MANE Select); coding-DNA position 1654, G replaced by A.
Protein change: p.Gly552Ser; replaces glycine 552 with serine.
Molecular consequence: missense variant.
Genome position (GRCh38, 1-based): chr15:34,245,863, C>T on the plus strand (G>A on the coding strand, the complement: SLC12A6 is on the minus strand). VCF-style: chr15-34245863-C-T. GRCh37 (hg19) VCF-style: chr15-34538064-C-T.
Other names: c.1477G>A, p.Gly493Ser (NM_001042494.2, NM_001042495.2); c.1627G>A, p.Gly543Ser (NM_001042496.2); c.1609G>A, p.Gly537Ser (NM_001042497.2); c.1501G>A, p.Gly501Ser (NM_005135.2); c.1654G>A, p.Gly552Ser (NM_133647.2); short protein forms G493S, G501S, G537S, G543S, G552S.
Identifiers: ClinVar variation 3620839 (VCV003620839.2).